The following is an entry in ClinVar:

ClinVar aggregate classification (germline): Uncertain significance. Review status: criteria provided, multiple submitters, no conflicts (2 of 4 stars). 2 submissions from 2 submitters: Uncertain significance (2). Last evaluated 2023-06-22.

Conditions:
Ritscher-Schinzel syndrome. Also called: CRANIOCEREBELLOCARDIAC DYSPLASIA. Identifiers: Orphanet 7, MedGen C0796137, MONDO:0019078.
Hereditary spastic paraplegia 8 (SPG8). Also called: SPASTIC PARAPLEGIA 8, AUTOSOMAL DOMINANT. Identifiers: Orphanet 100989, MedGen C1863704, MONDO:0011339, OMIM 603563.

Allele frequency attached by ClinVar (database versions not stated): gnomAD 0.00001; TOPMed 0.00001; gnomAD exomes 0.00001; ExAC 0.00002.
gnomAD v4.1: 13 of 1,613,862 alleles (0.00081%); highest among the groups gnomAD compares: Admixed American, 0.015%; no homozygotes.

Submissions (2):

Labcorp Genetics (formerly Invitae), Labcorp
Classification: Uncertain significance for Ritscher-Schinzel syndrome; Hereditary spastic paraplegia 8. Last evaluated: 2023-06-22. Review status: criteria provided, single submitter. Criteria: Invitae Variant Classification Sherloc (09022015). Collection method: clinical testing. Allele origin: germline.
Comment: In summary, the available evidence is currently insufficient to determine the role of this variant in disease. Therefore, it has been classified as a Variant of Uncertain Significance. Advanced modeling of protein sequence and biophysical properties (such as structural, functional, and spatial information, amino acid conservation, physicochemical variation, residue mobility, and thermodynamic stability) has been performed at Invitae for this missense variant, however the output from this modeling did not meet the statistical confidence thresholds required to predict the impact of this variant on WASHC5 protein function. ClinVar contains an entry for this variant (Variation ID: 2438559). This variant has not been reported in the literature in individuals affected with WASHC5-related conditions. This variant is present in population databases (rs759203876, gnomAD 0.009%). This sequence change replaces arginine, which is basic and polar, with glutamine, which is neutral and polar, at codon 823 of the WASHC5 protein (p.Arg823Gln).

Revvity Omics, Revvity
Classification: Uncertain significance. Last evaluated: 2022-04-07. Review status: criteria provided, single submitter. Criteria: ACMG Guidelines, 2015. Collection method: clinical testing. Allele origin: germline.

NM_014846.4(WASHC5):c.2468G>A (p.Arg823Gln)

Gene: WASHC5 (WASH complex subunit 5; minus strand). Cytogenetic location: 8q24.13.
Variant type: single nucleotide variant.
Coding change: c.2468G>A on transcript NM_014846.4 (MANE Select); coding-DNA position 2468, G replaced by A.
Protein change: p.Arg823Gln; replaces arginine 823 with glutamine.
Molecular consequence: missense variant.
Genome position (GRCh38, 1-based): chr8:125,047,243, C>T on the plus strand (G>A on the coding strand, the complement: WASHC5 is on the minus strand). VCF-style: chr8-125047243-C-T. GRCh37 (hg19) VCF-style: chr8-126059485-C-T.
Other names: c.2024G>A, p.Arg675Gln (NM_001330609.2); short protein forms R675Q, R823Q.
Identifiers: ClinVar variation 2438559 (VCV002438559.6), dbSNP rs759203876, ClinGen allele CA4873517.